The following is an entry in ClinVar:

ClinVar aggregate classification (germline): Uncertain significance (1 of 4 stars; one submission).

Submission:

GeneDx
Classification: Uncertain significance. Last evaluated: 2022-04-26. Review status: criteria provided, single submitter. Criteria: GeneDx Variant Classification Process June 2021. Collection method: clinical testing. Allele origin: germline. Affected: yes.
Comment: Not observed at significant frequency in large population cohorts (gnomAD); In silico analysis supports that this missense variant has a deleterious effect on protein structure/function; Has not been previously published as pathogenic or benign to our knowledge.

NM_007129.5(ZIC2):c.1148A>G (p.His383Arg)

Gene: ZIC2 (Zic family member 2; plus strand). Cytogenetic location: 13q32.3.
Variant type: single nucleotide variant.
Coding change: c.1148A>G on transcript NM_007129.5 (MANE Select); coding-DNA position 1148, A replaced by G.
Protein change: p.His383Arg; replaces histidine 383 with arginine.
Molecular consequence: missense variant.
Genome position (GRCh38, 1-based): chr13:99,985,018, A>G. VCF-style: chr13-99985018-A-G. GRCh37 (hg19) VCF-style: chr13-100637272-A-G.
Other names: short protein forms H383R.
Identifiers: ClinVar variation 1712824 (VCV001712824.2), dbSNP rs2501549271, ClinGen allele CA388638934.